The following is an entry in ClinVar:

NM_001033044.4(GLUL):c.98T>C (p.Ile33Thr)

Gene: GLUL (glutamate-ammonia ligase; minus strand). Cytogenetic location: 1q25.3.
Variant type: single nucleotide variant.
Coding change: c.98T>C on transcript NM_001033044.4 (MANE Select); coding-DNA position 98, T replaced by C.
Protein change: p.Ile33Thr; replaces isoleucine 33 with threonine.
Molecular consequence: missense variant.
Genome position (GRCh38, 1-based): chr1:182,388,640, A>G on the plus strand (T>C on the coding strand, the complement: GLUL is on the minus strand). VCF-style: chr1-182388640-A-G. GRCh37 (hg19) VCF-style: chr1-182357775-A-G.
Other names: c.98T>C, p.Ile33Thr (NM_001033056.4, NM_002065.7); c.98T>C (NM_002065.6); short protein forms I33T.
Identifiers: ClinVar variation 1374773 (VCV001374773.7), dbSNP rs760900804, ClinGen allele CA1277262.

ClinVar aggregate classification (germline): Uncertain significance. Review status: criteria provided, multiple submitters, no conflicts (2 of 4 stars). 3 submissions from 3 submitters: Uncertain significance (3). Last evaluated 2026-01-30.

Conditions:
Congenital brain dysgenesis due to glutamine synthetase deficiency (GLND). Also called: GLUTAMINE SYNTHASE DEFICIENCY, CONGENITAL SYSTEMIC. Identifiers: Orphanet 71278, MedGen C1864910, MONDO:0012393, OMIM 610015.
GLUL-related disorder. Also called: GLUL-related condition.

Allele frequency attached by ClinVar (database versions not stated): gnomAD 0.00001; ExAC 0.00002; gnomAD exomes 0.00002; TOPMed below 0.00001.

Submissions (3):

PreventionGenetics, part of Exact Sciences
Classification: Uncertain significance for GLUL-related condition. Last evaluated: 2026-01-30. Review status: criteria provided, single submitter. Criteria: ACMG Guidelines, 2015. Collection method: clinical testing. Allele origin: germline.
Comment: The GLUL c.98T>C variant is predicted to result in the amino acid substitution p.Ile33Thr. To our knowledge, this variant has not been reported in the literature. This variant is reported in 0.0031% of alleles in individuals of European (Non-Finnish) descent in gnomAD. At this time, the clinical significance of this variant is uncertain due to the absence of conclusive functional and genetic evidence.

Labcorp Genetics (formerly Invitae), Labcorp
Classification: Uncertain significance for Congenital brain dysgenesis due to glutamine synthetase deficiency. Last evaluated: 2021-09-17. Review status: criteria provided, single submitter. Criteria: Invitae Variant Classification Sherloc (09022015). Collection method: clinical testing. Allele origin: germline.
Comment: This sequence change replaces isoleucine with threonine at codon 33 of the GLUL protein (p.Ile33Thr). The isoleucine residue is highly conserved and there is a moderate physicochemical difference between isoleucine and threonine. This variant is present in population databases (rs760900804, ExAC 0.003%). This variant has not been reported in the literature in individuals affected with GLUL-related conditions. Algorithms developed to predict the effect of missense changes on protein structure and function (SIFT, PolyPhen-2, Align-GVGD) all suggest that this variant is likely to be disruptive. In summary, the available evidence is currently insufficient to determine the role of this variant in disease. Therefore, it has been classified as a Variant of Uncertain Significance.

Breakthrough Genomics
Classification: Uncertain significance. Review status: criteria provided, single submitter. Criteria: ACMG Guidelines, 2015. Collection method: not provided. Allele origin: germline. Inheritance: Autosomal recessive inheritance. Affected: yes.